The following is an entry in ClinVar:

ClinVar aggregate classification (germline): Uncertain significance (1 of 4 stars; one submission).

Submission:

Labcorp Genetics (formerly Invitae), Labcorp
Classification: Uncertain significance. Last evaluated: 2020-02-27. Review status: criteria provided, single submitter. Criteria: Invitae Variant Classification Sherloc (09022015). Collection method: clinical testing. Allele origin: germline.
Comment: In summary, the available evidence is currently insufficient to determine the role of this variant in disease. Therefore, it has been classified as a Variant of Uncertain Significance. Algorithms developed to predict the effect of missense changes on protein structure and function are either unavailable or do not agree on the potential impact of this missense change (SIFT: "Deleterious"; PolyPhen-2: "Probably Damaging"; Align-GVGD: "Class C0"). This variant has not been reported in the literature in individuals with MUT-related conditions. This variant is not present in population databases (ExAC no frequency). This sequence change replaces alanine with threonine at codon 269 of the MUT protein (p.Ala269Thr). The alanine residue is highly conserved and there is a small physicochemical difference between alanine and threonine.

NM_000255.4(MMUT):c.805G>A (p.Ala269Thr)

Gene: MMUT (methylmalonyl-CoA mutase; minus strand). Cytogenetic location: 6p12.3.
Variant type: single nucleotide variant.
Coding change: c.805G>A on transcript NM_000255.4 (MANE Select); coding-DNA position 805, G replaced by A.
Protein change: p.Ala269Thr; replaces alanine 269 with threonine.
Molecular consequence: missense variant.
Genome position (GRCh38, 1-based): chr6:49,456,186, C>T on the plus strand (G>A on the coding strand, the complement: MMUT is on the minus strand). VCF-style: chr6-49456186-C-T. GRCh37 (hg19) VCF-style: chr6-49423899-C-T.
Other names: short protein forms A269T.
Identifiers: ClinVar variation 1057925 (VCV001057925.9), dbSNP rs2127419445, ClinGen allele CA364402423.